The following is an entry in ClinVar:

NM_030665.4(RAI1):c.5417_5418del (p.Glu1806fs)

Gene: RAI1 (retinoic acid induced 1; plus strand). Cytogenetic location: 17p11.2.
Variant type: Deletion.
Coding change: c.5417_5418del on transcript NM_030665.4 (MANE Select); coding-DNA positions 5417 to 5418, 2 bases deleted (AG; older notation c.5417_5418delAG).
Protein change: p.Glu1806fs; shifts the reading frame from glutamic acid 1806.
Molecular consequence: frameshift variant.
Genome position (GRCh38, 1-based): chr17:17,798,365-17,798,366, AG deleted; deleting any 2 consecutive bases within chr17:17,798,364-17,798,366 gives the same sequence; the c. name uses the placement nearest the transcript's 3' end. VCF-style (leftmost placement, unchanged base first): chr17-17798363-TGA-T. GRCh37 (hg19) VCF-style: chr17-17701677-TGA-T.
Other names: short protein forms E1806fs.
Identifiers: ClinVar variation 3349883 (VCV003349883.1).
Genomic context (GRCh38, chr17:17,798,363, plus strand): 5'-CTGTGATGGCCGGGAGGATGGGGGCGAGGAGGCAGCCCCAGCCGACAAGGGTCGCAAACA[TGA>T]GTGCAGCAAGGAGGCTCCGGCAGAGCCCGGCGGGGAGGCCCAGGAGCACTGGGTGCATGA-3'

ClinVar aggregate classification (germline): Likely pathogenic (0 of 4 stars; one submission).

Conditions:
RAI1-related disorder. Also called: RAI1-related condition.

Submission:

PreventionGenetics, part of Exact Sciences
Classification: Likely pathogenic for RAI1-related condition. Last evaluated: 2023-11-01. Review status: no assertion criteria provided. Collection method: clinical testing. Allele origin: germline.
Comment: The RAI1 c.5417_5418delAG variant is predicted to result in a frameshift and premature protein termination (p.Glu1806Valfs*20). To our knowledge, this variant has not been reported in the literature or in a large population database, indicating this variant is rare. Frameshift variants in RAI1 are expected to be pathogenic. This variant is interpreted as likely pathogenic.